The following is an entry in ClinVar:

NM_001142864.4(PIEZO1):c.1107+1G>C

Genes: HSALR1 (HSP90AB1 associated lncRNA 1; plus strand), PIEZO1 (piezo type mechanosensitive ion channel component 1 (Er blood group); minus strand). Cytogenetic location: 16q24.3.
Variant type: single nucleotide variant.
Coding change: c.1107+1G>C on transcript NM_001142864.4 (MANE Select); the canonical splice donor site of the intron after coding-DNA position 1107, G replaced by C.
Molecular consequence: splice donor variant.
Genome position (GRCh38, 1-based): chr16:88,737,727, C>G on the plus strand (G>C on the coding strand, the complement: PIEZO1 is on the minus strand). VCF-style: chr16-88737727-C-G. GRCh37 (hg19) VCF-style: chr16-88804135-C-G.
Other names: c.1107+1G>C (NM_001142864.3, NM_001142864.2).
Identifiers: ClinVar variation 1120073 (VCV001120073.33), dbSNP rs199524784, ClinGen allele CA8233121.

ClinVar aggregate classification (germline): Conflicting classifications of pathogenicity. Review status: criteria provided, conflicting classifications (1 of 4 stars). 7 submissions from 7 submitters: Likely pathogenic (2); Uncertain significance (4). 1 of the submissions does not count toward it. Last evaluated 2026-08-06.

Conditions:
Lymphatic malformation 6 (LMPHM6). Also called: Lymphedema, hereditary, III; GENERALIZED LYMPHATIC DYSPLASIA OF FOTIOU; PIEZO1-related generalized lymphatic dysplasia with non-immune hydrops fetalis. Identifiers: Orphanet 568062, MedGen C4225184, MONDO:0014797, OMIM 616843.
PIEZO1-related disorder. Also called: PIEZO1-Related Disorders; PIEZO1-related condition.
Blood group, ER (ER). Also called: ER BLOOD GROUP SYSTEM. Identifiers: MedGen C5703066, OMIM 620207.

Allele frequency attached by ClinVar (database versions not stated): 1000 Genomes Project 30x 0.00016; gnomAD exomes 0.00028 and 0.00055; ExAC 0.00034; TOPMed 0.00034; gnomAD 0.00040 and 0.00041.
gnomAD v4.1: 815 of 1,535,478 alleles (0.053%); highest among the groups gnomAD compares: Non-Finnish European, 0.068%; no homozygotes.

Submissions (10):

OLLIN Analises Genomicas, OLLIN
Classification: Uncertain significance for Blood group, ER. Last evaluated: 2026-08-06. Review status: criteria provided, single submitter. Criteria: ACMG Guidelines 2015 PMID 25741868. Collection method: clinical testing. Allele origin: germline.
Comment: This variant, located at the canonical splicing site (splice donor), has been reported in ClinVar (accession VCV001120073.31) and in gnomAD with an allele frequency of 0.053%. However, to our knowledge, it has not been reported in the scientific literature. This variant is predicted to disrupt a canonical splice site, potentially leading to exon skipping, mRNA degradation via nonsense-mediated decay (NMD), or production of a truncated protein. According to the currently available evidence, this variant has been classified as uncertain significance (PVS1_S, BS1).

Revvity Omics, Revvity
Classification: Uncertain significance. Last evaluated: 2024-03-12. Review status: criteria provided, single submitter. Criteria: ACMG Guidelines, 2015. Collection method: clinical testing. Allele origin: germline.

CeGaT Center for Human Genetics Tuebingen
Classification: Likely pathogenic. Last evaluated: 2024-03-01. Review status: criteria provided, single submitter. Criteria: CeGaT Center For Human Genetics Tuebingen Variant Classification Criteria Version 2. Collection method: clinical testing. Allele origin: germline. Affected: yes. Observed: 1 variant allele.
Comment: PIEZO1: PVS1

Department of Pathology and Laboratory Medicine, Sinai Health System
Classification: Likely pathogenic for PIEZO1-related generalized lymphatic dysplasia with non-immune hydrops fetalis. Last evaluated: 2023-01-10. Review status: criteria provided, single submitter. Criteria: ACMG Guidelines, 2015. Collection method: research. Allele origin: germline.

Mayo Clinic Laboratories, Mayo Clinic
Classification: Uncertain significance. Last evaluated: 2022-08-22. Review status: criteria provided, single submitter. Criteria: ACMG Guidelines, 2015. Collection method: clinical testing. Allele origin: germline. Observed: 1 variant allele.
Comment: PVS1_moderate

Laboratory for Molecular Medicine, Mass General Brigham Personalized Medicine
Classification: Uncertain significance. Last evaluated: 2020-06-25. Review status: criteria provided, single submitter. Criteria: LMM Criteria. Collection method: clinical testing. Allele origin: germline. Observed: 1 variant allele.
Comment: Variant classified as Uncertain Significance - Favor Pathogenic. The c.1107+1G>C variant in PIEZO1 has not been previously reported in individuals with PIEZO1-associated diseases but has been identified in 0.06% (46/74124) of European chromosomes by gnomAD. This variant occurs within the canonical splice site (+/- 1,2) and is predicted to cause altered splicing leading to an abnormal or absent protein. However, exon 9 is in frame and consists of only 29 base pairs and encodes less than 10% of the PIEZO1 protein. In summary, while there is some suspicion for a pathogenic role, the clinical significance of this variant is uncertain. ACMG/AMP Criteria applied: PVS1_Moderate.

PreventionGenetics, part of Exact Sciences
Classification: Uncertain significance for PIEZO1-related condition. Last evaluated: 2024-03-21. Review status: no assertion criteria provided. Collection method: clinical testing. Allele origin: germline. Not counted in ClinVar's aggregate classification.
Comment: The PIEZO1 c.1107+1G>C variant is predicted to disrupt the GT donor site and interfere with normal splicing. This variant was reported in association with increased risk for varicose veins, but no additional studies confirmed its pathogenicity (Smelser et al. 2022. PubMed ID: 34358671). This variant is reported in 0.062% of alleles in individuals of European (Non-Finnish) descent in gnomAD. At this time, the clinical significance of this variant is uncertain due to the absence of conclusive functional and genetic evidence.

Dr. Peter K. Rogan Lab, Western University
No classification provided (evidence only). Condition: Familial cancer of breast. Review status: no classification provided. Collection method: in vitro. Allele origin: not applicable. Functional consequence: retained intron. Not counted in ClinVar's aggregate classification.

Dr. Peter K. Rogan Lab, Western University
No classification provided (evidence only). Condition: Familial cancer of breast. Review status: no classification provided. Collection method: in vitro. Allele origin: not applicable. Functional consequence: retained intron. Not counted in ClinVar's aggregate classification.

Dr. Peter K. Rogan Lab, Western University
No classification provided (evidence only). Condition: Malignant tumor of esophagus. Review status: no classification provided. Collection method: in vitro. Allele origin: not applicable. Functional consequence: retained intron. Not counted in ClinVar's aggregate classification.

Literature cited by the submitters: PubMed 34681667 (cited by Mayo Clinic Laboratories, Mayo Clinic).